The following is an entry in ClinVar:

ClinVar aggregate classification (germline): Pathogenic. Review status: criteria provided, multiple submitters, no conflicts (2 of 4 stars). 4 submissions from 4 submitters: Pathogenic (4). Last evaluated 2025-06-16.

Conditions:
Duchenne muscular dystrophy (DMD). Also called: MUSCULAR DYSTROPHY, PSEUDOHYPERTROPHIC PROGRESSIVE, DUCHENNE TYPE; Duchenne Muscular Dystrophy (DMD). Identifiers: Orphanet 98896, MedGen C0013264, MONDO:0010679, OMIM 310200.

Submissions (4):

3billion
Classification: Pathogenic for Duchenne muscular dystrophy. Last evaluated: 2025-06-16. Review status: criteria provided, single submitter. Criteria: ACMG Guidelines, 2015. Collection method: clinical testing. Allele origin: germline. Affected: yes.
Comment: The variant is not observed in the gnomAD v4.1.0 dataset. Predicted Consequence/Location: Stop-gained (nonsense): predicted to result in a loss or disruption of normal protein function through nonsense-mediated decay (NMD) or protein truncation. Multiple pathogenic variants are reported downstream of the variant. The variant has been reported at least twice as pathogenic with clinical assertions and evidence for the classification (ClinVar ID: VCV000575026 /PMID: 19937601). Therefore, this variant is classified as Pathogenic according to the recommendation of ACMG/AMP guideline.

ARUP Laboratories, Molecular Genetics and Genomics, ARUP Laboratories
Classification: Pathogenic. Last evaluated: 2024-07-18. Review status: criteria provided, single submitter. Criteria: ARUP Molecular Germline Variant Investigation Process 2024. Collection method: clinical testing. Allele origin: germline.
Comment: The DMD c.3742C>T; p.Gln1248Ter variant (rs1569562936; ClinVar ID: 575026) is reported in the literature in several individuals affected with Duchenne muscular dystrophy (Brogna 2021, Guevara-Fujita 2021). This variant is absent from the Genome Aggregation Database (v2.1.1), indicating it is not a common polymorphism. This variant induces an early termination codon and is predicted to result in a truncated protein or mRNA subject to nonsense-mediated decay. Based on available information, this variant is considered to be pathogenic. References: Brogna C et al. The nonsense mutation stop+4 model correlates with motor changes in Duchenne muscular dystrophy. Neuromuscul Disord. 2021 Jun;31(6):479-488. PMID: 33773883. Guevara-Fujita ML et al. MLPA followed by target-NGS to detect mutations in the dystrophin gene of Peruvian patients suspected of DMD/DMB. Mol Genet Genomic Med. 2021 Sep;9(9):e1759. PMID: 34327855.

GeneDx
Classification: Pathogenic. Last evaluated: 2023-11-29. Review status: criteria provided, single submitter. Criteria: GeneDx Variant Classification Process June 2021. Collection method: clinical testing. Allele origin: germline. Affected: yes.
Comment: Nonsense variant predicted to result in protein truncation or nonsense mediated decay in a gene for which loss of function is a known mechanism of disease; Not observed at significant frequency in large population cohorts (gnomAD); Based on the understanding of this genetic alteration, it may be amenable to nonsense read-through therapy that is currently available or in clinical trial; This variant is associated with the following publications: (PMID: 25525159, 19937601, 34327855, 33773883)

Labcorp Genetics (formerly Invitae), Labcorp
Classification: Pathogenic for Duchenne muscular dystrophy. Last evaluated: 2023-02-18. Review status: criteria provided, single submitter. Criteria: Invitae Variant Classification Sherloc (09022015). Collection method: clinical testing. Allele origin: germline.
Comment: For these reasons, this variant has been classified as Pathogenic. Algorithms developed to predict the effect of sequence changes on RNA splicing suggest that this variant may disrupt the consensus splice site. ClinVar contains an entry for this variant (Variation ID: 575026). This premature translational stop signal has been observed in individual(s) with clinical features of DMD-related conditions (PMID: 21520333). This variant is not present in population databases (gnomAD no frequency). This sequence change creates a premature translational stop signal (p.Gln1248*) in the DMD gene. It is expected to result in an absent or disrupted protein product. Loss-of-function variants in DMD are known to be pathogenic (PMID: 16770791, 25007885).

Literature cited by the submitters: PubMed 19937601 (cited by 3billion); PubMed 21520333 (cited by Labcorp Genetics (formerly Invitae), Labcorp); PubMed 16770791 (cited by Labcorp Genetics (formerly Invitae), Labcorp); PubMed 25007885 (cited by Labcorp Genetics (formerly Invitae), Labcorp).

NM_004006.3(DMD):c.3742C>T (p.Gln1248Ter)

Gene: DMD (dystrophin; minus strand). Cytogenetic location: Xp21.1.
Variant type: single nucleotide variant.
Coding change: c.3742C>T on transcript NM_004006.3 (MANE Select); coding-DNA position 3742, C replaced by T.
Protein change: p.Gln1248Ter; replaces glutamine 1248 with a stop codon.
Molecular consequence: nonsense.
Genome position (GRCh38, 1-based): chrX:32,448,500, G>A on the plus strand (C>T on the coding strand, the complement: DMD is on the minus strand). VCF-style: chrX-32448500-G-A. GRCh37 (hg19) VCF-style: chrX-32466617-G-A.
Other names: c.3718C>T, p.Gln1240Ter (NM_000109.4); c.3730C>T, p.Gln1244Ter (NM_004009.3); c.3373C>T, p.Gln1125Ter (NM_004010.3); short protein forms Q1248*, Q1125*, Q1240*, Q1244*.
Identifiers: ClinVar variation 575026 (VCV000575026.13), dbSNP rs1569562936, ClinGen allele CA412661806.